The following is an entry in ClinVar:

ClinVar aggregate classification (germline): Uncertain significance. Review status: criteria provided, multiple submitters, no conflicts (2 of 4 stars). 2 submissions from 2 submitters: Uncertain significance (2). Last evaluated 2023-03-02.

Conditions:
Dyskeratosis congenita, autosomal dominant 6 (DKCA6). Identifiers: Orphanet 3322, MedGen C4225284, MONDO:0014690, OMIM 616553.

Allele frequency attached by ClinVar (database versions not stated): ExAC 0.00001; gnomAD 0.00001; gnomAD exomes 0.00001; TOPMed 0.00002.

Submissions (2):

Labcorp Genetics (formerly Invitae), Labcorp
Classification: Uncertain significance for Dyskeratosis congenita, autosomal dominant 6. Last evaluated: 2023-03-02. Review status: criteria provided, single submitter. Criteria: Invitae Variant Classification Sherloc (09022015). Collection method: clinical testing. Allele origin: germline.
Comment: In summary, the available evidence is currently insufficient to determine the role of this variant in disease. Therefore, it has been classified as a Variant of Uncertain Significance. Advanced modeling of protein sequence and biophysical properties (such as structural, functional, and spatial information, amino acid conservation, physicochemical variation, residue mobility, and thermodynamic stability) performed at Invitae indicates that this missense variant is expected to disrupt ACD protein function. ClinVar contains an entry for this variant (Variation ID: 1000401). This variant has not been reported in the literature in individuals affected with ACD-related conditions. This variant is present in population databases (rs754815475, gnomAD 0.003%). This sequence change replaces glycine, which is neutral and non-polar, with arginine, which is basic and polar, at codon 115 of the ACD protein (p.Gly115Arg).

Genetic Services Laboratory, University of Chicago
Classification: Uncertain significance. Last evaluated: 2018-01-17. Review status: criteria provided, single submitter. Criteria: ACMG Guidelines, 2015. Collection method: clinical testing. Allele origin: germline. Affected: no.

NM_001082486.2(ACD):c.85G>C (p.Gly29Arg)

Gene: ACD (ACD shelterin complex subunit and telomerase recruitment factor; minus strand). Cytogenetic location: 16q22.1.
Variant type: single nucleotide variant.
Coding change: c.85G>C on transcript NM_001082486.2 (MANE Select); coding-DNA position 85, G replaced by C.
Protein change: p.Gly29Arg; replaces glycine 29 with arginine.
Molecular consequence: missense variant.
Genome position (GRCh38, 1-based): chr16:67,660,136, C>G on the plus strand (G>C on the coding strand, the complement: ACD is on the minus strand). VCF-style: chr16-67660136-C-G. GRCh37 (hg19) VCF-style: chr16-67694039-C-G.
Other names: c.85G>C, p.Gly29Arg (NM_022914.3); short protein forms G29R.
Identifiers: ClinVar variation 1000401 (VCV001000401.13), dbSNP rs754815475, ClinGen allele CA8114835.